The following is an entry in ClinVar:

ClinVar aggregate classification (germline): Uncertain significance (1 of 4 stars; one submission).

Allele frequency attached by ClinVar (database versions not stated): TOPMed below 0.00001; ExAC 0.00002; gnomAD exomes 0.00002.

Submission:

Labcorp Genetics (formerly Invitae), Labcorp
Classification: Uncertain significance. Last evaluated: 2023-12-27. Review status: criteria provided, single submitter. Criteria: Invitae Variant Classification Sherloc (09022015). Collection method: clinical testing. Allele origin: germline.
Comment: This sequence change replaces isoleucine, which is neutral and non-polar, with valine, which is neutral and non-polar, at codon 92 of the OR2W3 protein (p.Ile92Val). This variant is present in population databases (rs752700599, gnomAD 0.02%). This variant has not been reported in the literature in individuals affected with OR2W3-related conditions. ClinVar contains an entry for this variant (Variation ID: 1468510). An algorithm developed to predict the effect of missense changes on protein structure and function (PolyPhen-2) suggests that this variant is likely to be disruptive. In summary, the available evidence is currently insufficient to determine the role of this variant in disease. Therefore, it has been classified as a Variant of Uncertain Significance.

NM_001001957.2(OR2W3):c.274A>G (p.Ile92Val)

Gene: OR2W3 (olfactory receptor family 2 subfamily W member 3; plus strand). Cytogenetic location: 1q44.
Variant type: single nucleotide variant.
Coding change: c.274A>G on transcript NM_001001957.2 (MANE Select); coding-DNA position 274, A replaced by G.
Protein change: p.Ile92Val; replaces isoleucine 92 with valine.
Molecular consequence: missense variant.
Genome position (GRCh38, 1-based): chr1:247,895,860, A>G. VCF-style: chr1-247895860-A-G. GRCh37 (hg19) VCF-style: chr1-248059162-A-G.
Other names: short protein forms I92V.
Identifiers: ClinVar variation 1468510 (VCV001468510.6), dbSNP rs752700599, ClinGen allele CA1498558.
Genomic context (GRCh38, chr1:247,895,860, plus strand): 5'-AGTTTCACCACCAGCTCCATCCCCCAGCTGCTCTACAACCTTAATGGATGTGACAAGACC[A>G]TCAGCTACATGGGCTGTGCCATCCAGCTCTTCCTGTTCCTGGGTCTGGGTGGTGTGGAGT-3'
Protein context (NP_001001957.2, residues 82-102): LYNLNGCDKT[Ile92Val]SYMGCAIQLF